The following is an entry in ClinVar:

ClinVar aggregate classification (germline): Uncertain significance (1 of 4 stars; one submission).

Submission:

Ambry Genetics
Classification: Uncertain significance. Last evaluated: 2025-06-10. Review status: criteria provided, single submitter. Criteria: Ambry Variant Classification Scheme 2023. Collection method: clinical testing. Allele origin: germline.
Comment: The p.S838F variant (also known as c.2513C>T), located in coding exon 14 of the PKP4 gene, results from a C to T substitution at nucleotide position 2513. The serine at codon 838 is replaced by phenylalanine, an amino acid with highly dissimilar properties. This amino acid position is conserved. In addition, the in silico prediction for this alteration is inconclusive. Based on the available evidence, the clinical significance of this variant remains unclear.

NM_003628.6(PKP4):c.2513C>T (p.Ser838Phe)

Genes: PKP4 (plakophilin 4; plus strand), PKP4-AS1 (PKP4 antisense RNA 1; minus strand). Cytogenetic location: 2q24.1.
Variant type: single nucleotide variant.
Coding change: c.2513C>T on transcript NM_003628.6 (MANE Select); coding-DNA position 2513, C replaced by T.
Protein change: p.Ser838Phe; replaces serine 838 with phenylalanine.
Molecular consequence: missense variant.
Genome position (GRCh38, 1-based): chr2:158,663,381, C>T. VCF-style: chr2-158663381-C-T. GRCh37 (hg19) VCF-style: chr2-159519893-C-T.
Other names: c.2513C>T, p.Ser838Phe (NM_001005476.4, NM_001304971.2, NM_001377218.1 and 1 more transcripts); c.2510C>T, p.Ser837Phe (NM_001304969.3, NM_001377219.1, NM_001377220.1 and 2 more transcripts); c.1484C>T, p.Ser495Phe (NM_001304970.3); c.2507C>T, p.Ser836Phe (NM_001377222.1, NM_001377223.1); c.2504C>T, p.Ser835Phe (NM_001377224.1); short protein forms S835F, S837F, S836F, S838F, S495F.
Identifiers: ClinVar variation 3933375 (VCV003933375.1).